The following is an entry in ClinVar:

ClinVar aggregate classification (germline): Benign/Likely benign. Review status: criteria provided, multiple submitters, no conflicts (2 of 4 stars). 3 submissions from 3 submitters: Benign (1); Likely benign (2). Last evaluated 2026-02-16.

Conditions:
SNRNP200-related disorder. Also called: SNRNP200-related condition.

Allele frequency attached by ClinVar (database versions not stated): gnomAD 0.00007; TOPMed 0.00008; ExAC 0.00010; gnomAD exomes 0.00010 and 0.00014.
gnomAD v4.1: 155 of 1,613,648 alleles (0.0096%); highest among the groups gnomAD compares: Non-Finnish European, 0.0073%; no homozygotes.

Submissions (3):

PreventionGenetics, part of Exact Sciences
Classification: Likely benign for SNRNP200-related condition. Last evaluated: 2026-02-16. Review status: criteria provided, single submitter. Criteria: ACMG Guidelines, 2015. Collection method: clinical testing. Allele origin: germline.
Comment: This variant is classified as likely benign based on ACMG/AMP sequence variant interpretation guidelines (Richards et al. 2015 PMID: 25741868, with internal and published modifications).

Labcorp Genetics (formerly Invitae), Labcorp
Classification: Benign. Last evaluated: 2025-11-01. Review status: criteria provided, single submitter. Criteria: Invitae Variant Classification Sherloc (09022015). Collection method: clinical testing. Allele origin: germline.

Blueprint Genetics
Classification: Likely benign. Last evaluated: 2022-05-17. Review status: criteria provided, single submitter. Criteria: ACMG Guidelines, 2015. Collection method: clinical testing. Allele origin: germline.

NM_014014.5(SNRNP200):c.5488+9C>T

Gene: SNRNP200 (small nuclear ribonucleoprotein U5 subunit 200; minus strand). Cytogenetic location: 2q11.2.
Variant type: single nucleotide variant.
Coding change: c.5488+9C>T on transcript NM_014014.5 (MANE Select); 9 bases into the intron after coding-DNA position 5488, C replaced by T.
Molecular consequence: intron variant.
Genome position (GRCh38, 1-based): chr2:96,278,538, G>A on the plus strand (C>T on the coding strand, the complement: SNRNP200 is on the minus strand). VCF-style: chr2-96278538-G-A. GRCh37 (hg19) VCF-style: chr2-96944276-G-A.
Other names: c.5488+9C>T (NM_014014.4).
Identifiers: ClinVar variation 1169900 (VCV001169900.11), dbSNP rs200122357, ClinGen allele CA1777965.